The following is an entry in ClinVar:

NM_144999.4(LRRC45):c.310G>A (p.Glu104Lys)

Gene: LRRC45 (leucine rich repeat containing 45; plus strand). Cytogenetic location: 17q25.3.
Variant type: single nucleotide variant.
Coding change: c.310G>A on transcript NM_144999.4 (MANE Select); coding-DNA position 310, G replaced by A.
Protein change: p.Glu104Lys; replaces glutamic acid 104 with lysine.
Molecular consequence: missense variant.
Genome position (GRCh38, 1-based): chr17:82,024,720, G>A. VCF-style: chr17-82024720-G-A. GRCh37 (hg19) VCF-style: chr17-79982596-G-A.
Other names: short protein forms E104K.
Identifiers: ClinVar variation 4989517 (VCV004989517.1).

ClinVar aggregate classification (germline): Uncertain significance (1 of 4 stars; one submission).

Conditions:
LRRC45-related disorder. Also called: LRRC45-related condition.

gnomAD v4.1: 4 of 1,576,830 alleles (0.00025%); highest among the groups gnomAD compares: African/African-American, 0.0027%; no homozygotes.

Submission:

PreventionGenetics, part of Exact Sciences
Classification: Uncertain significance for LRRC45-related condition. Last evaluated: 2026-04-09. Review status: criteria provided, single submitter. Criteria: ACMG Guidelines, 2015. Collection method: clinical testing. Allele origin: germline.
Comment: The LRRC45 c.310G>A variant is predicted to result in the amino acid substitution p.Glu104Lys. To our knowledge, this variant has not been reported in the literature. This variant is reported in 0.00099% of alleles in individuals of European (Non-Finnish) descent in gnomAD. At this time, the clinical significance of this variant is uncertain due to the absence of conclusive functional and genetic evidence.